The following is an entry in ClinVar:

NM_001134831.2(AHI1):c.2005A>G (p.Ile669Val)

Gene: AHI1 (Abelson helper integration site 1; minus strand). Cytogenetic location: 6q23.3.
Variant type: single nucleotide variant.
Coding change: c.2005A>G on transcript NM_001134831.2 (MANE Select); coding-DNA position 2005, A replaced by G.
Protein change: p.Ile669Val; replaces isoleucine 669 with valine.
Molecular consequence: missense variant.
Genome position (GRCh38, 1-based): chr6:135,438,406, T>C on the plus strand (A>G on the coding strand, the complement: AHI1 is on the minus strand). VCF-style: chr6-135438406-T-C. GRCh37 (hg19) VCF-style: chr6-135759544-T-C.
Other names: c.2005A>G, p.Ile669Val (NM_001350503.2, NM_001350504.2, NM_017651.5 and 2 more transcripts); short protein forms I669V.
Identifiers: ClinVar variation 1423530 (VCV001423530.8), dbSNP rs371198770, ClinGen allele CA4012467.

ClinVar aggregate classification (germline): Uncertain significance. Review status: criteria provided, multiple submitters, no conflicts (2 of 4 stars). 3 submissions from 3 submitters: Uncertain significance (3). Last evaluated 2024-07-26.

Conditions:
Inborn genetic diseases. Identifiers: MedGen C0950123, MeSH D030342.
Joubert syndrome. Also called: CEREBELLOPARENCHYMAL DISORDER IV; JOUBERT-BOLTSHAUSER SYNDROME; Familial aplasia of the vermis. Identifiers: Orphanet 475, MedGen C5979921, MONDO:0018772.
Joubert syndrome 3 (JBTS3). Also called: AHI1-related Ciliopathy. Identifiers: Orphanet 220493, MedGen C1837713, MONDO:0012078, OMIM 608629.

Allele frequency attached by ClinVar (database versions not stated): ESP Exome Variant Server 0.00008.
gnomAD v4.1: 27 of 1,577,524 alleles (0.0017%); highest among the groups gnomAD compares: Non-Finnish European, 0.0022%; no homozygotes.

Submissions (3):

Ambry Genetics
Classification: Uncertain significance for Inborn genetic diseases. Last evaluated: 2024-07-26. Review status: criteria provided, single submitter. Criteria: Ambry Variant Classification Scheme 2023. Collection method: clinical testing. Allele origin: germline.

Labcorp Genetics (formerly Invitae), Labcorp
Classification: Uncertain significance for Joubert syndrome. Last evaluated: 2022-09-13. Review status: criteria provided, single submitter. Criteria: Invitae Variant Classification Sherloc (09022015). Collection method: clinical testing. Allele origin: germline.
Comment: This sequence change replaces isoleucine, which is neutral and non-polar, with valine, which is neutral and non-polar, at codon 669 of the AHI1 protein (p.Ile669Val). The frequency data for this variant in the population databases is considered unreliable, as metrics indicate poor data quality at this position in the gnomAD database. This variant has not been reported in the literature in individuals affected with AHI1-related conditions. ClinVar contains an entry for this variant (Variation ID: 1423530). Advanced modeling of protein sequence and biophysical properties (such as structural, functional, and spatial information, amino acid conservation, physicochemical variation, residue mobility, and thermodynamic stability) performed at Invitae indicates that this missense variant is not expected to disrupt AHI1 protein function. In summary, the available evidence is currently insufficient to determine the role of this variant in disease. Therefore, it has been classified as a Variant of Uncertain Significance.

Fulgent Genetics
Classification: Uncertain significance for Joubert syndrome 3. Last evaluated: 2021-11-29. Review status: criteria provided, single submitter. Criteria: ACMG Guidelines, 2015. Collection method: clinical testing. Allele origin: unknown.